The following is an entry in ClinVar:

NM_016008.4(DYNC2LI1):c.2T>C (p.Met1Thr)

Gene: DYNC2LI1 (dynein cytoplasmic 2 light intermediate chain 1; plus strand). Cytogenetic location: 2p21.
Variant type: single nucleotide variant.
Coding change: c.2T>C on transcript NM_016008.4 (MANE Select); coding-DNA position 2, T replaced by C.
Protein change: p.Met1Thr; changes the start codon (methionine 1).
Molecular consequence: missense variant, initiator codon variant.
Genome position (GRCh38, 1-based): chr2:43,774,140, T>C. VCF-style: chr2-43774140-T-C. GRCh37 (hg19) VCF-style: chr2-44001279-T-C.
Other names: c.2T>C, p.Met1Thr (NM_001193464.2, NM_001348912.2, NM_001348913.2 and 1 more transcripts); short protein forms M1T.
Identifiers: ClinVar variation 518437 (VCV000518437.7), dbSNP rs200859699, ClinGen allele CA1635605.

ClinVar aggregate classification (germline): Pathogenic. Review status: criteria provided, single submitter (1 of 4 stars). 2 submissions from 2 submitters: Pathogenic (1). 1 of the submissions does not count toward it. Last evaluated 2022-05-06.

Conditions:
Short-rib thoracic dysplasia 15 with polydactyly (SRTD15). Identifiers: MedGen C4310724, MONDO:0014907, OMIM 617088.

Allele frequency attached by ClinVar (database versions not stated): 1000 Genomes Project 0.00020; gnomAD 0.00001 and 0.00002; TOPMed 0.00001; gnomAD exomes 0.00002 and 0.00005; ExAC 0.00008; 1000 Genomes Project 30x 0.00016.

Submissions (2):

Labcorp Genetics (formerly Invitae), Labcorp
Classification: Pathogenic. Last evaluated: 2022-05-06. Review status: criteria provided, single submitter. Criteria: Invitae Variant Classification Sherloc (09022015). Collection method: clinical testing. Allele origin: germline.
Comment: ClinVar contains an entry for this variant (Variation ID: 518437). Disruption of the initiator codon has been observed in individual(s) with Ellis-van Creveld syndrome (PMID: 28857138). This variant is present in population databases (rs200859699, gnomAD 0.01%). This sequence change affects the initiator methionine of the DYNC2LI1 mRNA. The next in-frame methionine is located at codon 127. For these reasons, this variant has been classified as Pathogenic. This variant disrupts a region of the DYNC2LI1 protein in which other variant(s) (p.Leu117Val) have been determined to be pathogenic (PMID: 26077881, 32815859). This suggests that this is a clinically significant region of the protein, and that variants that disrupt it are likely to be disease-causing.

OMIM
Classification: Pathogenic for SHORT-RIB THORACIC DYSPLASIA 15 WITH POLYDACTYLY. Last evaluated: 2023-04-17. Review status: no assertion criteria provided. Collection method: literature only. Allele origin: germline. Not counted in ClinVar's aggregate classification.

Literature cited by the submitters: PubMed 28857138 (cited by Labcorp Genetics (formerly Invitae), Labcorp and OMIM); PubMed 26077881 (cited by Labcorp Genetics (formerly Invitae), Labcorp); PubMed 32815859 (cited by Labcorp Genetics (formerly Invitae), Labcorp); PubMed 8960501 (cited by OMIM).